The following is an entry in ClinVar:

NM_001013838.3(CARMIL2):c.331G>A (p.Val111Met)

Gene: CARMIL2 (capping protein regulator and myosin 1 linker 2; plus strand). Cytogenetic location: 16q22.1.
Variant type: single nucleotide variant.
Coding change: c.331G>A on transcript NM_001013838.3 (MANE Select); coding-DNA position 331, G replaced by A.
Protein change: p.Val111Met; replaces valine 111 with methionine.
Molecular consequence: missense variant.
Genome position (GRCh38, 1-based): chr16:67,646,267, G>A. VCF-style: chr16-67646267-G-A. GRCh37 (hg19) VCF-style: chr16-67680170-G-A.
Other names: c.331G>A, p.Val111Met (NM_001317026.3); short protein forms V111M.
Identifiers: ClinVar variation 1470401 (VCV001470401.6), dbSNP rs774165605, ClinGen allele CA8113023.
Genomic context (GRCh38, chr16:67,646,267, plus strand): 5'-CTGCGTGAGCTGGTCCTGGAGTTTCCTGGTGTGGCCGCCCTGGAACAGCTGGCCCAGCAC[G>A]TGGCTGCAGCCATCAAGAAGGTCTTCCCTCGCTCGACCCTTGGGTGAGGCCTGGCAAATT-3'
Protein context (NP_001013860.1, residues 101-121): VAALEQLAQH[Val111Met]AAAIKKVFPR

ClinVar aggregate classification (germline): Uncertain significance (1 of 4 stars; one submission).

Allele frequency attached by ClinVar (database versions not stated): gnomAD exomes 0.00001 and 0.00003; ExAC 0.00003; gnomAD 0.00005; TOPMed 0.00009.
gnomAD v4.1: 17 of 1,613,580 alleles (0.0011%); highest among the groups gnomAD compares: African/African-American, 0.017%; no homozygotes.

Submission:

Labcorp Genetics (formerly Invitae), Labcorp
Classification: Uncertain significance. Last evaluated: 2021-05-18. Review status: criteria provided, single submitter. Criteria: Invitae Variant Classification Sherloc (09022015). Collection method: clinical testing. Allele origin: germline.
Comment: This variant has not been reported in the literature in individuals with CARMIL2-related conditions. This variant is present in population databases (rs774165605, ExAC 0.04%). This sequence change replaces valine with methionine at codon 111 of the CARMIL2 protein (p.Val111Met). The valine residue is moderately conserved and there is a small physicochemical difference between valine and methionine. Algorithms developed to predict the effect of missense changes on protein structure and function output the following: SIFT: "Deleterious"; PolyPhen-2: "Benign"; Align-GVGD: "Class C0". The methionine amino acid residue is found in multiple mammalian species, suggesting that this missense change does not adversely affect protein function. These predictions have not been confirmed by published functional studies and their clinical significance is uncertain. In summary, the available evidence is currently insufficient to determine the role of this variant in disease. Therefore, it has been classified as a Variant of Uncertain Significance.